The following is an entry in ClinVar:

NM_000138.5(FBN1):c.4442G>A (p.Ser1481Asn)

Gene: FBN1 (fibrillin 1; minus strand). Cytogenetic location: 15q21.1.
Variant type: single nucleotide variant.
Coding change: c.4442G>A on transcript NM_000138.5 (MANE Select); coding-DNA position 4442, G replaced by A.
Protein change: p.Ser1481Asn; replaces serine 1481 with asparagine.
Molecular consequence: missense variant.
Genome position (GRCh38, 1-based): chr15:48,470,651, C>T on the plus strand (G>A on the coding strand, the complement: FBN1 is on the minus strand). VCF-style: chr15-48470651-C-T. GRCh37 (hg19) VCF-style: chr15-48762848-C-T.
Other names: c.4442G>A, p.Ser1481Asn (NM_001406716.1); short protein forms S1481N.
Identifiers: ClinVar variation 3074342 (VCV003074342.1), dbSNP rs2505508333, ClinGen allele CA392354324.
Genomic context (GRCh38, chr15:48,470,651, plus strand): 5'-CGGGACACCAGGGAGCTGATTTTGATGCCAGTGGAGGTCTTACCTGTGCAGTTCCCGCCG[C>T]TTCTGTCCAGTTCGTAGCCTATCTCACACTCACAGCGGAACAGGCCAGGGAGGTTGTGGC-3'
Protein context (NP_000129.3, residues 1471-1491): ECEIGYELDR[Ser1481Asn]GGNCTDVNEC

ClinVar aggregate classification (germline): Uncertain significance (1 of 4 stars; one submission).

Conditions:
Marfan syndrome (MFS). Also called: MARFAN SYNDROME, TYPE I; Marfan syndrome type 1; Marfan's syndrome; Marfan syndrome, classic; FBN1-Related Marfan Syndrome. Identifiers: Orphanet 284963, Orphanet 558, MedGen C0024796, MONDO:0007947, OMIM 154700.

Submission:

All of Us Research Program, National Institutes of Health
Classification: Uncertain significance for Marfan syndrome. Last evaluated: 2023-11-02. Review status: criteria provided, single submitter. Criteria: ACMG Guidelines, 2015. Collection method: clinical testing. Allele origin: germline. Inheritance: Autosomal dominant inheritance. Observed: 1 variant allele, 1 heterozygote.
Comment: This missense variant replaces serine with asparagine at codon 1481 of the FBN1 protein. Computational prediction suggests that this variant may not impact protein structure and function (internally defined REVEL score threshold <= 0.5, PMID: 27666373). To our knowledge, functional studies have not been reported for this variant. This variant has not been reported in individuals affected with FBN1-related disorders in the literature. This variant has not been identified in the general population by the Genome Aggregation Database (gnomAD). The available evidence is insufficient to determine the role of this variant in disease conclusively. Therefore, this variant is classified as a Variant of Uncertain Significance.

This study involves interpretation of variants in research participants for the purpose of population health screening. Participant phenotype was not available at the time of variant classification. Additional details can be found in publication PMID: 35346344, PMCID: PMC8962531